The following is an entry in ClinVar:

ClinVar aggregate classification (germline): Likely pathogenic (1 of 4 stars; one submission).

Conditions:
Alstrom syndrome (ALMS). Identifiers: Orphanet 64, MedGen C0268425, MONDO:0008763, OMIM 203800.

Submission:

Natera, Inc.
Classification: Likely pathogenic for Alstrom syndrome. Last evaluated: 2025-08-29. Review status: criteria provided, single submitter. Criteria: Natera Variant Classification Schema (03/2026). Collection method: clinical testing. Allele origin: germline.
Comment: The c.1127dup variant in ALMS1 is a frameshift variant predicted to shift the reading frame beginning at codon 377 and leads to a stop codon 2 codons downstream. This variant is expected to result in nonsense mediated decay, truncation, or a dysfunctional protein product. This variant is rare in the general population with a frequency below the threshold expected for the associated phenotype(s). Given the available evidence, this variant is classified as Likely Pathogenic.

NM_001378454.1(ALMS1):c.1124dup (p.Thr376fs)

Gene: ALMS1 (ALMS1 centrosome and basal body associated protein; plus strand). Cytogenetic location: 2p13.1.
Variant type: Duplication.
Coding change: c.1124dup on transcript NM_001378454.1 (MANE Select); coding-DNA position 1124, one base duplicated (T; older notation c.1124dupT).
Protein change: p.Thr376fs; shifts the reading frame from threonine 376.
Molecular consequence: frameshift variant.
Genome position (GRCh38, 1-based): chr2:73,424,789, T duplicated. VCF-style (leftmost placement, unchanged base first): chr2-73424788-A-AT. GRCh37 (hg19) VCF-style: chr2-73651916-A-AT.
Other names: c.1127dup, p.Thr377fs (NM_015120.4); short protein forms T376fs, T377fs.
Identifiers: ClinVar variation 4815759 (VCV004815759.1).